The following is an entry in ClinVar:

NM_001365536.1(SCN9A):c.5459A>C (p.Lys1820Thr)

Genes: SCN9A (sodium voltage-gated channel alpha subunit 9; minus strand), SCN1A-AS1 (SCN1A and SCN9A antisense RNA 1; plus strand). Cytogenetic location: 2q24.3.
Variant type: single nucleotide variant.
Coding change: c.5459A>C on transcript NM_001365536.1 (MANE Select); coding-DNA position 5459, A replaced by C.
Protein change: p.Lys1820Thr; replaces lysine 1820 with threonine.
Molecular consequence: missense variant.
Genome position (GRCh38, 1-based): chr2:166,199,180, T>G on the plus strand (A>C on the coding strand, the complement: SCN9A is on the minus strand). VCF-style: chr2-166199180-T-G. GRCh37 (hg19) VCF-style: chr2-167055690-T-G.
Other names: c.5426A>C, p.Lys1809Thr (NM_002977.4); short protein forms K1820T, K1809T.
Identifiers: ClinVar variation 2934876 (VCV002934876.3), dbSNP rs756016813, ClinGen allele CA1943676.
Genomic context (GRCh38, chr2:166,199,180, plus strand): 5'-TCAAGACAATGGATCCGGTCACCACTAACCATGGGCAGATCCATGGCAATGAGCTGGACT[T>G]TGTTGGGTTTTGCTATGAGAAGAGGAGGATCCAGGGCAGCTGCAAAATCAGAGAGTTTAG-3'
Protein context (NP_001352465.1, residues 1810-1830): DPPLLIAKPN[Lys1820Thr]VQLIAMDLPM

ClinVar aggregate classification (germline): Uncertain significance (1 of 4 stars; one submission).

Conditions:
Neuropathy, hereditary sensory and autonomic, type 2A (HSAN2A). Also called: MORVAN DISEASE; NEUROPATHY, CONGENITAL SENSORY; NEUROPATHY, HEREDITARY SENSORY RADICULAR, AUTOSOMAL RECESSIVE; NEUROPATHY, HEREDITARY SENSORY, TYPE IIA; NEUROPATHY, PROGRESSIVE SENSORY, OF CHILDREN; ACROOSTEOLYSIS, GIACCAI TYPE. Identifiers: Orphanet 970, MedGen C2752089, MONDO:0024309, OMIM 201300.
Generalized epilepsy with febrile seizures plus, type 7 (GEFSP7). Also called: GEFS+, TYPE 7. Identifiers: Orphanet 36387, MedGen C2751778, MONDO:0013470, OMIM 613863.

Allele frequency attached by ClinVar (database versions not stated): ExAC 0.00001; gnomAD 0.00001; TOPMed 0.00001.

Submission:

Labcorp Genetics (formerly Invitae), Labcorp
Classification: Uncertain significance for Neuropathy, hereditary sensory and autonomic, type 2A; Generalized epilepsy with febrile seizures plus, type 7. Last evaluated: 2024-09-03. Review status: criteria provided, single submitter. Criteria: Invitae Variant Classification Sherloc (09022015). Collection method: clinical testing. Allele origin: germline.
Comment: This sequence change replaces lysine, which is basic and polar, with threonine, which is neutral and polar, at codon 1809 of the SCN9A protein (p.Lys1809Thr). This variant is present in population databases (rs756016813, gnomAD 0.003%). This variant has not been reported in the literature in individuals affected with SCN9A-related conditions. Invitae Evidence Modeling of protein sequence and biophysical properties (such as structural, functional, and spatial information, amino acid conservation, physicochemical variation, residue mobility, and thermodynamic stability) indicates that this missense variant is not expected to disrupt SCN9A protein function with a negative predictive value of 95%. In summary, the available evidence is currently insufficient to determine the role of this variant in disease. Therefore, it has been classified as a Variant of Uncertain Significance.